The following is an entry in ClinVar:

NM_001365951.3(KIF1B):c.2900C>A (p.Ser967Tyr)

Genes: KIF1B (kinesin family member 1B; plus strand), LOC126805614 (BRD4-independent group 4 enhancer GRCh37_chr1:10385546-10386745; plus strand). Cytogenetic location: 1p36.22.
Variant type: single nucleotide variant.
Coding change: c.2900C>A on transcript NM_001365951.3 (MANE Select); coding-DNA position 2900, C replaced by A.
Protein change: p.Ser967Tyr; replaces serine 967 with tyrosine.
Molecular consequence: missense variant.
Genome position (GRCh38, 1-based): chr1:10,326,335, C>A. VCF-style: chr1-10326335-C-A. GRCh37 (hg19) VCF-style: chr1-10386393-C-A.
Other names: c.2900C>A, p.Ser967Tyr (NM_001365952.1); c.2762C>A, p.Ser921Tyr (NM_015074.3); short protein forms S921Y, S967Y.
Identifiers: ClinVar variation 4543612 (VCV004543612.1).
Genomic context (GRCh38, chr1:10,326,335, plus strand): 5'-CAGGGACGGAGGAGGGATCAGATCTCTTCAGTGACGGGCATGACCCGTTTTACGACCGAT[C>A]CCCTTGGTTCATTTTAGTGGGAAGGTTGGTGAGGTTATTGTGAGAAAGGCGAAAAGGGAC-3'
Protein context (NP_001352880.1, residues 957-977): SDGHDPFYDR[Ser967Tyr]PWFILVGRAF

ClinVar aggregate classification (germline): Uncertain significance (1 of 4 stars; one submission).

Submission:

Ambry Genetics
Classification: Uncertain significance. Last evaluated: 2025-09-19. Review status: criteria provided, single submitter. Criteria: Ambry Variant Classification Scheme 2023. Collection method: clinical testing. Allele origin: germline.
Comment: The p.S921Y variant (also known as c.2762C>A), located in coding exon 24 of the KIF1B gene, results from a C to A substitution at nucleotide position 2762. The serine at codon 921 is replaced by tyrosine, an amino acid with dissimilar properties. This amino acid position is conserved. In addition, this alteration is predicted to be deleterious by in silico analysis. Based on the available evidence, the clinical significance of this variant remains unclear.